The following is an entry in ClinVar:

NM_004260.4(RECQL4):c.1955T>G (p.Val652Gly)

Gene: RECQL4 (RecQ like helicase 4; minus strand). Cytogenetic location: 8q24.3.
Variant type: single nucleotide variant.
Coding change: c.1955T>G on transcript NM_004260.4 (MANE Select); coding-DNA position 1955, T replaced by G.
Protein change: p.Val652Gly; replaces valine 652 with glycine.
Molecular consequence: missense variant.
Genome position (GRCh38, 1-based): chr8:144,514,031, A>C on the plus strand (T>G on the coding strand, the complement: RECQL4 is on the minus strand). VCF-style: chr8-144514031-A-C. GRCh37 (hg19) VCF-style: chr8-145739415-A-C.
Other names: c.1955T>G (NM_004260.3); short protein forms V652G.
Identifiers: ClinVar variation 1053013 (VCV001053013.4), dbSNP rs1167635927, ClinGen allele CA372680419.

ClinVar aggregate classification (germline): Uncertain significance. Review status: criteria provided, multiple submitters, no conflicts (2 of 4 stars). 2 submissions from 2 submitters: Uncertain significance (2). Last evaluated 2025-12-15.

Conditions:
Baller-Gerold syndrome (BGS). Also called: CRANIOSYNOSTOSIS WITH RADIAL DEFECTS. Identifiers: Orphanet 1225, MedGen C0265308, MONDO:0009039, OMIM 218600.
Inborn genetic diseases. Identifiers: MedGen C0950123, MeSH D030342.

Submissions (2):

Ambry Genetics
Classification: Uncertain significance for Inborn genetic diseases. Last evaluated: 2025-12-15. Review status: criteria provided, single submitter. Criteria: Ambry Variant Classification Scheme 2023. Collection method: clinical testing. Allele origin: germline.
Comment: The p.V652G variant (also known as c.1955T>G), located in coding exon 12 of the RECQL4 gene, results from a T to G substitution at nucleotide position 1955. The valine at codon 652 is replaced by glycine, an amino acid with dissimilar properties. This amino acid position is conserved. In addition, this alteration is predicted to be deleterious by in silico analysis. Based on the available evidence, the clinical significance of this variant remains unclear.

Labcorp Genetics (formerly Invitae), Labcorp
Classification: Uncertain significance for Baller-Gerold syndrome. Last evaluated: 2020-01-18. Review status: criteria provided, single submitter. Criteria: Invitae Variant Classification Sherloc (09022015). Collection method: clinical testing. Allele origin: germline.
Comment: In summary, the available evidence is currently insufficient to determine the role of this variant in disease. Therefore, it has been classified as a Variant of Uncertain Significance. Experimental studies and prediction algorithms are not available or were not evaluated, and the functional significance of this variant is currently unknown. This variant has not been reported in the literature in individuals with RECQL4-related conditions. This variant is not present in population databases (ExAC no frequency). This sequence change replaces valine with glycine at codon 652 of the RECQL4 protein (p.Val652Gly). The valine residue is highly conserved and there is a moderate physicochemical difference between valine and glycine.